The following is an entry in ClinVar:

ClinVar aggregate classification (germline): Uncertain significance (1 of 4 stars; one submission).

Conditions:
Combined immunodeficiency due to MALT1 deficiency. Also called: Immunodeficiency 12. Identifiers: Orphanet 397964, MedGen C3809583, MONDO:0014197, OMIM 615468.

Submission:

Labcorp Genetics (formerly Invitae), Labcorp
Classification: Uncertain significance for Combined immunodeficiency due to MALT1 deficiency. Last evaluated: 2021-04-03. Review status: criteria provided, single submitter. Criteria: Invitae Variant Classification Sherloc (09022015). Collection method: clinical testing. Allele origin: germline.
Comment: In summary, the available evidence is currently insufficient to determine the role of this variant in disease. Therefore, it has been classified as a Variant of Uncertain Significance. This variant has not been reported in the literature in individuals with MALT1-related conditions. This variant results in a copy number gain of the genomic region encompassing exon(s) 1 of the MALT1 gene. This region includes the initiator codon of the gene. The 5' end of this event is unknown as it extends beyond the assayed region for this gene and therefore may encompass additional genes. The 3' boundary is likely confined to intron 1 of the MALT1 gene. As the precise location of this event is unknown, it may be in tandem or it may be located elsewhere in the genome.

NC_000018.9:g.(?_56338876)_(56339104_?)dup

Gene: MALT1 (MALT1 paracaspase; plus strand). Cytogenetic location: 18q21.32.
Variant type: Duplication.
Identifiers: ClinVar variation 1444228 (VCV001444228.4).